The following is an entry in ClinVar:

NM_145725.3(TRAF3):c.1112C>A (p.Ala371Glu)

Gene: TRAF3 (TNF receptor associated factor 3; plus strand). Cytogenetic location: 14q32.32.
Variant type: single nucleotide variant.
Coding change: c.1112C>A on transcript NM_145725.3 (MANE Select); coding-DNA position 1112, C replaced by A.
Protein change: p.Ala371Glu; replaces alanine 371 with glutamic acid.
Molecular consequence: missense variant.
Genome position (GRCh38, 1-based): chr14:102,903,406, C>A. VCF-style: chr14-102903406-C-A. GRCh37 (hg19) VCF-style: chr14-103369743-C-A.
Other names: c.863C>A, p.Ala288Glu (NM_001199427.2); c.971C>A, p.Ala324Glu (NM_001385142.1); c.1031C>A, p.Ala344Glu (NM_001385143.1); c.1112C>A, p.Ala371Glu (NM_003300.4); c.1037C>A, p.Ala346Glu (NM_145726.3); short protein forms A324E, A344E, A346E, A371E, A288E.
Identifiers: ClinVar variation 4771903 (VCV004771903.1).

ClinVar aggregate classification (germline): Uncertain significance (1 of 4 stars; one submission).

Conditions:
Immunodeficiency 132A. Also called: Herpes simplex encephalitis, susceptibility to, 3. Identifiers: Orphanet 1930, MedGen C3553868, MONDO:0013920, OMIM 614849.

gnomAD v4.1: 28 of 1,614,028 alleles (0.0017%); highest among the groups gnomAD compares: South Asian, 0.029%; 1 homozygote.

Submission:

Labcorp Genetics (formerly Invitae), Labcorp
Classification: Uncertain significance for Immunodeficiency 132A. Last evaluated: 2025-08-22. Review status: criteria provided, single submitter. Criteria: Invitae Variant Classification Sherloc (09022015). Collection method: clinical testing. Allele origin: germline.
Comment: This sequence change replaces alanine, which is neutral and non-polar, with glutamic acid, which is acidic and polar, at codon 371 of the TRAF3 protein (p.Ala371Glu). This variant is present in population databases (rs144719184, gnomAD 0.03%). This variant has not been reported in the literature in individuals affected with TRAF3-related conditions. An algorithm developed to predict the effect of missense changes on protein structure and function (PolyPhen-2) suggests that this variant is likely to be tolerated. In summary, the available evidence is currently insufficient to determine the role of this variant in disease. Therefore, it has been classified as a Variant of Uncertain Significance.